The following is an entry in ClinVar:

NM_000294.3(PHKG2):c.393G>A (p.Arg131=)

Gene: PHKG2 (phosphorylase kinase catalytic subunit gamma 2; plus strand). Cytogenetic location: 16p11.2.
Variant type: single nucleotide variant.
Coding change: c.393G>A on transcript NM_000294.3 (MANE Select); coding-DNA position 393, G replaced by A.
Protein change: p.Arg131=; no amino-acid change (arginine 131 retained).
Molecular consequence: synonymous variant.
Genome position (GRCh38, 1-based): chr16:30,753,394, G>A. VCF-style: chr16-30753394-G-A. GRCh37 (hg19) VCF-style: chr16-30764715-G-A.
Other names: p.Arg131=; c.393G>A, p.Arg131= (NM_001172432.2).
Identifiers: ClinVar variation 318937 (VCV000318937.50), dbSNP rs55751949, ClinGen allele CA8013174.

ClinVar aggregate classification (germline): Conflicting classifications of pathogenicity. Review status: criteria provided, conflicting classifications (1 of 4 stars). 8 submissions from 8 submitters: Uncertain significance (3); Likely benign (4). 1 of the submissions does not count toward it. Last evaluated 2026-01-26.

Conditions:
Glycogen storage disease IXc (GSD9C). Also called: GSD IXc. Identifiers: Orphanet 264580, MedGen C2751643, MONDO:0013091, OMIM 613027.
PHKG2-related disorder. Also called: PHKG2-related condition.

Allele frequency attached by ClinVar (database versions not stated): 1000 Genomes Project 0.00040; 1000 Genomes Project 30x 0.00047; gnomAD exomes 0.00125 and 0.00252; ExAC 0.00131; gnomAD 0.00150 and 0.00153; TOPMed 0.00158; ESP Exome Variant Server 0.00231.

Submissions (8):

Labcorp Genetics (formerly Invitae), Labcorp
Classification: Likely benign for Glycogen storage disease IXc. Last evaluated: 2026-01-26. Review status: criteria provided, single submitter. Criteria: Invitae Variant Classification Sherloc (09022015). Collection method: clinical testing. Allele origin: germline.

Mayo Clinic Laboratories, Mayo Clinic
Classification: Likely benign. Last evaluated: 2025-07-09. Review status: criteria provided, single submitter. Criteria: ACMG Guidelines, 2015. Collection method: clinical testing. Allele origin: germline. Observed: 2 variant alleles.
Comment: BS1, BP4, BP7

GeneDx
Classification: Uncertain significance. Last evaluated: 2025-01-28. Review status: criteria provided, single submitter. Criteria: GeneDx Variant Classification Process June 2021. Collection method: clinical testing. Allele origin: germline. Affected: yes.
Comment: In silico analysis indicates that this variant does not alter splicing; Has not been previously published as pathogenic or benign to our knowledge

Blueprint Genetics
Classification: Likely benign. Last evaluated: 2024-11-27. Review status: criteria provided, single submitter. Criteria: ACMG Guidelines, 2015. Collection method: clinical testing. Allele origin: germline.

CeGaT Center for Human Genetics Tuebingen
Classification: Likely benign. Last evaluated: 2024-02-01. Review status: criteria provided, single submitter. Criteria: CeGaT Center For Human Genetics Tuebingen Variant Classification Criteria Version 2. Collection method: clinical testing. Allele origin: germline. Affected: yes. Observed: 3 variant alleles.
Comment: PHKG2: BP4, BS2

Baylor Genetics
Classification: Uncertain significance for Glycogen storage disease IXc. Last evaluated: 2023-06-22. Review status: criteria provided, single submitter. Criteria: ACMG Guidelines, 2015. Collection method: clinical testing. Allele origin: unknown.

Illumina Laboratory Services, Illumina
Classification: Uncertain significance for Glycogen storage disease IXc. Last evaluated: 2018-01-13. Review status: criteria provided, single submitter. Criteria: ICSL Variant Classification Criteria 13 December 2019. Collection method: clinical testing. Allele origin: germline.

PreventionGenetics, part of Exact Sciences
Classification: Likely benign for PHKG2-related condition. Last evaluated: 2019-07-10. Review status: no assertion criteria provided. Collection method: clinical testing. Allele origin: germline. Not counted in ClinVar's aggregate classification.
Comment: This variant is classified as likely benign based on ACMG/AMP sequence variant interpretation guidelines (Richards et al. 2015 PMID: 25741868, with internal and published modifications).